The following is an entry in ClinVar:

ClinVar aggregate classification (germline): Likely benign. Review status: criteria provided, multiple submitters, no conflicts (2 of 4 stars). 2 submissions from 2 submitters: Likely benign (2). Last evaluated 2025-12-14.

Conditions:
SERPINA1-related disorder. Also called: SerpinA1-related disorders; SERPINA1-related condition.
Alpha-1-antitrypsin deficiency (A1ATD). Also called: AAT deficiency; A1AT deficiency; Alpha1-Antitrypsin Deficiency. Identifiers: Orphanet 60, MedGen C0221757, MONDO:0013282, OMIM 613490.

gnomAD v4.1: 9 of 1,614,222 alleles (0.00056%); highest among the groups gnomAD compares: South Asian, 0.0044%; no homozygotes.

Submissions (2):

Labcorp Genetics (formerly Invitae), Labcorp
Classification: Likely benign for Alpha-1-antitrypsin deficiency. Last evaluated: 2025-12-14. Review status: criteria provided, single submitter. Criteria: Invitae Variant Classification Sherloc (09022015). Collection method: clinical testing. Allele origin: germline.

PreventionGenetics, part of Exact Sciences
Classification: Likely benign for SERPINA1-related condition. Last evaluated: 2024-10-26. Review status: criteria provided, single submitter. Criteria: ACMG Guidelines, 2015. Collection method: clinical testing. Allele origin: germline.
Comment: This variant is classified as likely benign based on ACMG/AMP sequence variant interpretation guidelines (Richards et al. 2015 PMID: 25741868, with internal and published modifications).

NM_000295.5(SERPINA1):c.879C>T (p.His293=)

Gene: SERPINA1 (serpin family A member 1; minus strand). Cytogenetic location: 14q32.13.
Variant type: single nucleotide variant.
Coding change: c.879C>T on transcript NM_000295.5 (MANE Select); coding-DNA position 879, C replaced by T.
Protein change: p.His293=; no amino-acid change (histidine 293 retained).
Molecular consequence: synonymous variant.
Genome position (GRCh38, 1-based): chr14:94,380,909, G>A on the plus strand (C>T on the coding strand, the complement: SERPINA1 is on the minus strand). VCF-style: chr14-94380909-G-A. GRCh37 (hg19) VCF-style: chr14-94847246-G-A.
Other names: c.879C>T (NM_000295.4); c.879C>T, p.His293= (NM_001002235.3, NM_001002236.3, NM_001127700.2 and 7 more transcripts).
Identifiers: ClinVar variation 1139747 (VCV001139747.10), dbSNP rs141095970, ClinGen allele CA265863749.